The following is an entry in ClinVar:

NM_130466.4(UBE3B):c.262del (p.Arg88fs)

Gene: UBE3B (ubiquitin protein ligase E3B; plus strand). Cytogenetic location: 12q24.11.
Variant type: Deletion.
Coding change: c.262del on transcript NM_130466.4 (MANE Select); coding-DNA position 262, one base deleted (A; older notation c.262delA).
Protein change: p.Arg88fs; shifts the reading frame from arginine 88.
Molecular consequence: frameshift variant.
Genome position (GRCh38, 1-based): chr12:109,483,961, A deleted. VCF-style (leftmost placement, unchanged base first): chr12-109483960-CA-C. GRCh37 (hg19) VCF-style: chr12-109921765-CA-C.
Other names: c.262del, p.Arg88fs (NM_001270449.2, NM_001270450.2, NM_001270451.2 and 1 more transcripts); short protein forms R88fs.
Identifiers: ClinVar variation 2734859 (VCV002734859.3), dbSNP rs2548451221, ClinGen allele CA2697551530.
Genomic context (GRCh38, chr12:109,483,960, plus strand): 5'-GTCCACTAAAAGAAGTGCACTTTGTATTTTCAAGATTGCCAGGAAACTGCTGTTCCTATT[CA>C]GAATCAAAGAGGATAATGAGGTAAAACGATAATAGCAAACATGTATAATACTTCCATATG-3'

ClinVar aggregate classification (germline): Pathogenic (1 of 4 stars; one submission).

Submission:

Labcorp Genetics (formerly Invitae), Labcorp
Classification: Pathogenic. Last evaluated: 2023-07-03. Review status: criteria provided, single submitter. Criteria: Invitae Variant Classification Sherloc (09022015). Collection method: clinical testing. Allele origin: germline.
Comment: For these reasons, this variant has been classified as Pathogenic. This variant has not been reported in the literature in individuals affected with UBE3B-related conditions. This variant is not present in population databases (gnomAD no frequency). This sequence change creates a premature translational stop signal (p.Arg88Glufs*17) in the UBE3B gene. It is expected to result in an absent or disrupted protein product. Loss-of-function variants in UBE3B are known to be pathogenic (PMID: 23687348, 24615390).

Literature cited by the submitters: PubMed 23687348; PubMed 24615390.